The following is an entry in ClinVar:

NM_001845.6(COL4A1):c.903+18G>A

Gene: COL4A1 (collagen type IV alpha 1 chain; minus strand). Cytogenetic location: 13q34.
Variant type: single nucleotide variant.
Coding change: c.903+18G>A on transcript NM_001845.6 (MANE Select); 18 bases into the intron after coding-DNA position 903, G replaced by A.
Molecular consequence: intron variant.
Genome position (GRCh38, 1-based): chr13:110,205,476, C>T on the plus strand (G>A on the coding strand, the complement: COL4A1 is on the minus strand). VCF-style: chr13-110205476-C-T. GRCh37 (hg19) VCF-style: chr13-110857823-C-T.
Other names: c.903+18G>A (NM_001303110.2).
Identifiers: ClinVar variation 258266 (VCV000258266.23), dbSNP rs482757, ClinGen allele CA7048244.

ClinVar aggregate classification (germline): Benign. Review status: criteria provided, multiple submitters, no conflicts (2 of 4 stars). 10 submissions from 9 submitters: Benign (7). 3 of the submissions do not count toward it. Last evaluated 2026-02-04.

Conditions:
Brain small vessel disease 1 with or without ocular anomalies (BSVD1). Also called: BRAIN SMALL VESSEL DISEASE WITH HEMORRHAGE; PORENCEPHALY, TYPE 1, AUTOSOMAL DOMINANT; GOULD SYNDROME 1; Brain small vessel disease with or without ocular anomalies. Identifiers: Orphanet 2940, Orphanet 36383, Orphanet 99810, MedGen C4755307, MONDO:0008289, OMIM 175780.
Autosomal dominant familial hematuria-retinal arteriolar tortuosity-contractures syndrome. Also called: Angiopathy, hereditary, with nephropathy, aneurysms, and muscle cramps; Hereditary Angiopathy with Nephropathy, Aneurysms, and Muscle Cramps (HANAC) Syndrome. Identifiers: Orphanet 73229, MedGen C2673195, MONDO:0012726, OMIM 611773.

Allele frequency attached by ClinVar (database versions not stated): ESP Exome Variant Server 0.56858; gnomAD 0.57451 and 0.56804; 1000 Genomes Project 30x 0.58526; 1000 Genomes Project 0.59345; ExAC 0.61933; gnomAD exomes 0.61940 and 0.63651; TOPMed 0.56353.
gnomAD v4.1: 1,017,195 of 1,612,206 alleles (63%); highest among the groups gnomAD compares: East Asian, 77%; 325,047 homozygotes.

Submissions (10):

Labcorp Genetics (formerly Invitae), Labcorp
Classification: Benign. Last evaluated: 2026-02-04. Review status: criteria provided, single submitter. Criteria: Invitae Variant Classification Sherloc (09022015). Collection method: clinical testing. Allele origin: germline.

Blueprint Genetics
Classification: Benign. Last evaluated: 2024-11-27. Review status: criteria provided, single submitter. Criteria: ACMG Guidelines, 2015. Collection method: clinical testing. Allele origin: germline.

Genome-Nilou Lab
Classification: Benign for Autosomal dominant familial hematuria-retinal arteriolar tortuosity-contractures syndrome. Last evaluated: 2021-07-22. Review status: criteria provided, single submitter. Criteria: ACMG Guidelines, 2015. Collection method: clinical testing. Allele origin: germline. Affected: no.

Genome-Nilou Lab
Classification: Benign for Brain small vessel disease 1 with or without ocular anomalies. Last evaluated: 2021-07-22. Review status: criteria provided, single submitter. Criteria: ACMG Guidelines, 2015. Collection method: clinical testing. Allele origin: germline. Affected: no.

GeneDx
Classification: Benign. Last evaluated: 2017-07-19. Review status: criteria provided, single submitter. Criteria: GeneDx Variant Classification (06012015). Collection method: clinical testing. Allele origin: germline. Affected: yes.
Comment: This variant is considered likely benign or benign based on one or more of the following criteria: it is a conservative change, it occurs at a poorly conserved position in the protein, it is predicted to be benign by multiple in silico algorithms, and/or has population frequency not consistent with disease.

Breakthrough Genomics
Classification: Benign. Review status: criteria provided, single submitter. Criteria: ACMG Guidelines, 2015. Collection method: not provided. Allele origin: germline. Inheritance: Autosomal dominant inheritance. Affected: yes.

PreventionGenetics, part of Exact Sciences
Classification: Benign. Review status: criteria provided, single submitter. Criteria: ACMG Guidelines, 2015. Collection method: clinical testing. Allele origin: germline.

Clinical Genetics DNA and cytogenetics Diagnostics Lab, Erasmus MC, Erasmus Medical Center
Classification: Benign. Review status: no assertion criteria provided. Collection method: clinical testing. Allele origin: germline. Affected: yes. Study: VKGL Data-share Consensus. Not counted in ClinVar's aggregate classification.

Diagnostic Laboratory, Department of Genetics, University Medical Center Groningen
Classification: Benign. Review status: no assertion criteria provided. Collection method: clinical testing. Allele origin: germline. Affected: yes. Study: VKGL Data-share Consensus. Not counted in ClinVar's aggregate classification.

Joint Genome Diagnostic Labs from Nijmegen and Maastricht, Radboudumc and MUMC+
Classification: Benign. Review status: no assertion criteria provided. Collection method: clinical testing. Allele origin: germline. Affected: yes. Study: VKGL Data-share Consensus. Not counted in ClinVar's aggregate classification.